The following is an entry in ClinVar:

ClinVar aggregate classification (germline): Uncertain significance (1 of 4 stars; one submission).

Conditions:
Dyskeratosis congenita. Identifiers: Orphanet 1775, MedGen C0265965, MONDO:0015780.

Allele frequency attached by ClinVar (database versions not stated): TOPMed below 0.00001.

Submission:

Labcorp Genetics (formerly Invitae), Labcorp
Classification: Uncertain significance for Dyskeratosis congenita. Last evaluated: 2022-03-04. Review status: criteria provided, single submitter. Criteria: Invitae Variant Classification Sherloc (09022015). Collection method: clinical testing. Allele origin: germline.
Comment: In summary, the available evidence is currently insufficient to determine the role of this variant in disease. Therefore, it has been classified as a Variant of Uncertain Significance. Algorithms developed to predict the effect of sequence changes on RNA splicing suggest that this variant may disrupt the consensus splice site. Algorithms developed to predict the effect of missense changes on protein structure and function output the following: SIFT: "Tolerated"; PolyPhen-2: "Benign"; Align-GVGD: "Class C0". The glycine amino acid residue is found in multiple mammalian species, which suggests that this missense change does not adversely affect protein function. ClinVar contains an entry for this variant (Variation ID: 1036998). This variant has not been reported in the literature in individuals affected with CTC1-related conditions. This variant is not present in population databases (gnomAD no frequency). This sequence change replaces arginine, which is basic and polar, with glycine, which is neutral and non-polar, at codon 251 of the CTC1 protein (p.Arg251Gly).

NM_025099.6(CTC1):c.751A>G (p.Arg251Gly)

Gene: CTC1 (CST telomere replication complex component 1; minus strand). Cytogenetic location: 17p13.1.
Variant type: single nucleotide variant.
Coding change: c.751A>G on transcript NM_025099.6 (MANE Select); coding-DNA position 751, A replaced by G.
Protein change: p.Arg251Gly; replaces arginine 251 with glycine.
Molecular consequence: missense variant.
Genome position (GRCh38, 1-based): chr17:8,237,416, T>C on the plus strand (A>G on the coding strand, the complement: CTC1 is on the minus strand). VCF-style: chr17-8237416-T-C. GRCh37 (hg19) VCF-style: chr17-8140734-T-C.
Other names: short protein forms R251G.
Identifiers: ClinVar variation 1036998 (VCV001036998.8), dbSNP rs1987824097, ClinGen allele CA397991309.